The following is an entry in ClinVar:

NM_020549.5(CHAT):c.2211A>T (p.Glu737Asp)

Gene: CHAT (choline O-acetyltransferase; plus strand). Cytogenetic location: 10q11.23.
Variant type: single nucleotide variant.
Coding change: c.2211A>T on transcript NM_020549.5 (MANE Select); coding-DNA position 2211, A replaced by T.
Protein change: p.Glu737Asp; replaces glutamic acid 737 with aspartic acid.
Molecular consequence: missense variant.
Genome position (GRCh38, 1-based): chr10:49,665,010, A>T. VCF-style: chr10-49665010-A-T. GRCh37 (hg19) VCF-style: chr10-50873056-A-T.
Other names: c.2211A>T (NM_020549.4); c.1857A>T, p.Glu619Asp (NM_001142929.2, NM_001142934.2, NM_020984.4 and 2 more transcripts); c.1965A>T, p.Glu655Asp (NM_001142933.2); short protein forms E619D, E655D, E737D.
Identifiers: ClinVar variation 1000655 (VCV001000655.9), dbSNP rs1840309929, ClinGen allele CA376714929.
Genomic context (GRCh38, chr10:49,665,010, plus strand): 5'-CATGAGAGACCTCTGCAGTCTGCTGCCGCCTACTGAGAGCAAGCCATTGGCAACAAAGGA[A>T]AAAGCCACGAGGCCCAGCCAGGGACACCAACCTTGACTCCTGCCACTAGGTTTCACCTCC-3'
Protein context (NP_065574.4, residues 727-747): PTESKPLATK[Glu737Asp]KATRPSQGHQ

ClinVar aggregate classification (germline): Uncertain significance. Review status: criteria provided, multiple submitters, no conflicts (2 of 4 stars). 2 submissions from 2 submitters: Uncertain significance (2). Last evaluated 2024-10-21.

Conditions:
Inborn genetic diseases. Identifiers: MedGen C0950123, MeSH D030342.
Familial infantile myasthenia (CMS6). Also called: MYASTHENIC SYNDROME, PRESYNAPTIC, CONGENITAL, ASSOCIATED WITH EPISODIC APNEA; Congenital myasthenic syndrome type 6; MYASTHENIC SYNDROME, CONGENITAL, 6, PRESYNAPTIC. Identifiers: Orphanet 590, MedGen C0393929, MONDO:0009689, OMIM 254210.

Allele frequency attached by ClinVar (database versions not stated): TOPMed below 0.00001; gnomAD 0.00001.
gnomAD v4.1: 1 of 1,614,066 alleles (0.000062%); highest among the groups gnomAD compares: African/African-American, 0.0013%; no homozygotes.

Submissions (2):

Ambry Genetics
Classification: Uncertain significance for Inborn genetic diseases. Last evaluated: 2024-10-21. Review status: criteria provided, single submitter. Criteria: Ambry Variant Classification Scheme 2023. Collection method: clinical testing. Allele origin: germline.

Labcorp Genetics (formerly Invitae), Labcorp
Classification: Uncertain significance for Familial infantile myasthenia. Last evaluated: 2022-08-09. Review status: criteria provided, single submitter. Criteria: Invitae Variant Classification Sherloc (09022015). Collection method: clinical testing. Allele origin: germline.
Comment: This sequence change replaces glutamic acid, which is acidic and polar, with aspartic acid, which is acidic and polar, at codon 737 of the CHAT protein (p.Glu737Asp). In summary, the available evidence is currently insufficient to determine the role of this variant in disease. Therefore, it has been classified as a Variant of Uncertain Significance. Advanced modeling of protein sequence and biophysical properties (such as structural, functional, and spatial information, amino acid conservation, physicochemical variation, residue mobility, and thermodynamic stability) performed at Invitae indicates that this missense variant is not expected to disrupt CHAT protein function. ClinVar contains an entry for this variant (Variation ID: 1000655). This variant has not been reported in the literature in individuals affected with CHAT-related conditions. This variant is not present in population databases (gnomAD no frequency).